The following is an entry in ClinVar:

NM_004360.5(CDH1):c.586G>T (p.Gly196Ter)

Gene: CDH1 (cadherin 1; plus strand). Cytogenetic location: 16q22.1.
Variant type: single nucleotide variant.
Coding change: c.586G>T on transcript NM_004360.5 (MANE Select); coding-DNA position 586, G replaced by T.
Protein change: p.Gly196Ter; replaces glycine 196 with a stop codon.
Molecular consequence: nonsense. On other transcripts: 5 prime UTR variant (2).
Genome position (GRCh38, 1-based): chr16:68,808,747, G>T. VCF-style: chr16-68808747-G-T. GRCh37 (hg19) VCF-style: chr16-68842650-G-T.
Other names: c.586G>T, p.Gly196Ter (NM_001317184.2); c.-1030G>T (NM_001317185.2); c.-1234G>T (NM_001317186.2); short protein forms G196*.
Identifiers: ClinVar variation 2502921 (VCV002502921.1), dbSNP rs2152130135, ClinGen allele CA396457962.
Genomic context (GRCh38, chr16:68,808,747, plus strand): 5'-CTTCAGATCAAATCCAACAAAGACAAAGAAGGCAAGGTTTTCTACAGCATCACTGGCCAA[G>T]GAGCTGACACACCCCCTGTTGGTGTCTTTATTATTGAAAGAGAAACAGGATGGCTGAAGG-3'

ClinVar aggregate classification (germline): Pathogenic (1 of 4 stars; one submission).

Conditions:
Hereditary diffuse gastric adenocarcinoma (HDGC). Also called: DIFFUSE GASTRIC AND LOBULAR BREAST CANCER SYNDROME. Identifiers: Orphanet 26106, MedGen C1708349, MONDO:0007648, OMIM 137215.

Submission:

European Reference Network on Genetic Tumour Risk Syndromes (ERN-GENTURIS), i3s - Instituto de Investigação e Inovação em Saúde, University of Porto
Classification: Pathogenic for Hereditary diffuse gastric adenocarcinoma. Last evaluated: 2022-08-01. Review status: criteria provided, single submitter. Criteria: Lee et al. (Hum Mutat. 2018). Collection method: clinical testing. Allele origin: germline. Inheritance: Autosomal dominant inheritance. Affected: yes. Study: ERN GENTURIS.
Comment: PVS1; PS4_Supporting; PM2; BP2 (PMID: 30311375)

Literature cited by the submitters: PubMed 36436516.